The following is an entry in ClinVar:

NM_003803.4(MYOM1):c.4651T>C (p.Tyr1551His)

Gene: MYOM1 (myomesin 1; minus strand). Cytogenetic location: 18p11.31.
Variant type: single nucleotide variant.
Coding change: c.4651T>C on transcript NM_003803.4 (MANE Select); coding-DNA position 4651, T replaced by C.
Protein change: p.Tyr1551His; replaces tyrosine 1551 with histidine.
Molecular consequence: missense variant.
Genome position (GRCh38, 1-based): chr18:3,075,759, A>G on the plus strand (T>C on the coding strand, the complement: MYOM1 is on the minus strand). VCF-style: chr18-3075759-A-G. GRCh37 (hg19) VCF-style: chr18-3075757-A-G.
Other names: c.4363T>C, p.Tyr1455His (NM_019856.2); short protein forms Y1455H, Y1551H.
Identifiers: ClinVar variation 1742189 (VCV001742189.2), dbSNP rs2510462585, ClinGen allele CA401707567.

ClinVar aggregate classification (germline): Uncertain significance (1 of 4 stars; one submission).

Submission:

Ambry Genetics
Classification: Uncertain significance. Last evaluated: 2022-07-06. Review status: criteria provided, single submitter. Criteria: Ambry Variant Classification Scheme 2023. Collection method: clinical testing. Allele origin: germline.
Comment: The p.Y1551H variant (also known as c.4651T>C), located in coding exon 34 of the MYOM1 gene, results from a T to C substitution at nucleotide position 4651. The tyrosine at codon 1551 is replaced by histidine, an amino acid with similar properties. This amino acid position is conserved. In addition, this alteration is predicted to be tolerated by in silico analysis. Since supporting evidence is limited at this time, the clinical significance of this alteration remains unclear.